The following is an entry in ClinVar:

NM_002693.3(POLG):c.3105G>A (p.Lys1035=)

Gene: POLG (DNA polymerase gamma, catalytic subunit; minus strand). Cytogenetic location: 15q26.1.
Variant type: single nucleotide variant.
Coding change: c.3105G>A on transcript NM_002693.3 (MANE Select); coding-DNA position 3105, G replaced by A.
Protein change: p.Lys1035=; no amino-acid change (lysine 1035 retained).
Molecular consequence: synonymous variant.
Genome position (GRCh38, 1-based): chr15:89,319,099, C>T on the plus strand (G>A on the coding strand, the complement: POLG is on the minus strand). VCF-style: chr15-89319099-C-T. GRCh37 (hg19) VCF-style: chr15-89862330-C-T.
Other names: c.3105G>A, p.Lys1035= (NM_001126131.2).
Identifiers: ClinVar variation 595165 (VCV000595165.8), dbSNP rs1567185643, ClinGen allele CA492289090.

ClinVar aggregate classification (germline): Uncertain significance. Review status: criteria provided, multiple submitters, no conflicts (2 of 4 stars). 2 submissions from 2 submitters: Uncertain significance (2). Last evaluated 2023-09-11.

Conditions:
Progressive sclerosing poliodystrophy (MTDPS4A). Also called: Mitochondrial DNA depletion syndrome 4A (Alpers type); Mitochondrial DNA Depletion Syndrome 4A; Alpers Syndrome; ALPERS DIFFUSE DEGENERATION OF CEREBRAL GRAY MATTER WITH HEPATIC CIRRHOSIS; Alpers-Huttenlocher Syndrome; ALPERS PROGRESSIVE INFANTILE POLIODYSTROPHY. Identifiers: Orphanet 726, MedGen C0205710, MONDO:0008758, OMIM 203700.

Submissions (2):

Labcorp Genetics (formerly Invitae), Labcorp
Classification: Uncertain significance for Progressive sclerosing poliodystrophy. Last evaluated: 2023-09-11. Review status: criteria provided, single submitter. Criteria: Invitae Variant Classification Sherloc (09022015). Collection method: clinical testing. Allele origin: germline.
Comment: In summary, the available evidence is currently insufficient to determine the role of this variant in disease. Therefore, it has been classified as a Variant of Uncertain Significance. Algorithms developed to predict the effect of sequence changes on RNA splicing suggest that this variant is not likely to affect RNA splicing. ClinVar contains an entry for this variant (Variation ID: 595165). This variant has not been reported in the literature in individuals affected with POLG-related conditions. This variant is not present in population databases (gnomAD no frequency). This sequence change affects codon 1035 of the POLG mRNA. It is a 'silent' change, meaning that it does not change the encoded amino acid sequence of the POLG protein. It affects a nucleotide within the consensus splice site.

Eurofins Ntd Llc (ga)
Classification: Uncertain significance. Last evaluated: 2017-11-27. Review status: criteria provided, single submitter. Criteria: EGL Classification Definitions 2015. Collection method: clinical testing. Allele origin: germline. Observed: 1 variant allele, 1 heterozygote.